The following is an entry in ClinVar:

ClinVar aggregate classification (germline): Likely benign (1 of 4 stars; one submission).

Conditions:
ANKFY1-related disorder. Also called: ANKFY1-related condition.

gnomAD v4.1: 14 of 1,614,032 alleles (0.00087%); highest among the groups gnomAD compares: South Asian, 0.0033%; no homozygotes.

Submission:

PreventionGenetics, part of Exact Sciences
Classification: Likely benign for ANKFY1-related condition. Last evaluated: 2024-11-04. Review status: criteria provided, single submitter. Criteria: ACMG Guidelines, 2015. Collection method: clinical testing. Allele origin: germline.
Comment: This variant is classified as likely benign based on ACMG/AMP sequence variant interpretation guidelines (Richards et al. 2015 PMID: 25741868, with internal and published modifications).

NM_001330063.2(ANKFY1):c.948C>T (p.Asn316=)

Gene: ANKFY1 (ankyrin repeat and FYVE domain containing 1; minus strand). Cytogenetic location: 17p13.2.
Variant type: single nucleotide variant.
Coding change: c.948C>T on transcript NM_001330063.2 (MANE Select); coding-DNA position 948, C replaced by T.
Protein change: p.Asn316=; no amino-acid change (asparagine 316 retained).
Molecular consequence: synonymous variant. On other transcripts: non-coding transcript variant (1).
Genome position (GRCh38, 1-based): chr17:4,197,528, G>A on the plus strand (C>T on the coding strand, the complement: ANKFY1 is on the minus strand). VCF-style: chr17-4197528-G-A. GRCh37 (hg19) VCF-style: chr17-4100823-G-A.
Other names: c.1074C>T, p.Asn358= (NM_001257999.3); c.948C>T, p.Asn316= (NM_016376.5).
Identifiers: ClinVar variation 4977770 (VCV004977770.1).